The following is an entry in ClinVar:

NM_015214.3(DDHD2):c.1499A>G (p.Glu500Gly)

Gene: DDHD2 (DDHD domain containing 2; plus strand). Cytogenetic location: 8p11.23.
Variant type: single nucleotide variant.
Coding change: c.1499A>G on transcript NM_015214.3 (MANE Select); coding-DNA position 1499, A replaced by G.
Protein change: p.Glu500Gly; replaces glutamic acid 500 with glycine.
Molecular consequence: missense variant. On other transcripts: non-coding transcript variant (2).
Genome position (GRCh38, 1-based): chr8:38,252,169, A>G. VCF-style: chr8-38252169-A-G. GRCh37 (hg19) VCF-style: chr8-38109687-A-G.
Other names: c.1499A>G, p.Glu500Gly (NM_001164232.2, NM_001362911.2, NM_001362912.2 and 1 more transcripts); c.1409A>G, p.Glu470Gly (NM_001362913.2); short protein forms E470G, E500G.
Identifiers: ClinVar variation 2016205 (VCV002016205.4), dbSNP rs2486978463, ClinGen allele CA370691888.

ClinVar aggregate classification (germline): Uncertain significance (1 of 4 stars; one submission).

Conditions:
Hereditary spastic paraplegia 54. Also called: Spastic paraplegia 54, autosomal recessive. Identifiers: Orphanet 320380, MedGen C3539495, MONDO:0014018, OMIM 615033.

Submission:

Labcorp Genetics (formerly Invitae), Labcorp
Classification: Uncertain significance for Hereditary spastic paraplegia 54. Last evaluated: 2022-07-11. Review status: criteria provided, single submitter. Criteria: Invitae Variant Classification Sherloc (09022015). Collection method: clinical testing. Allele origin: germline.
Comment: In summary, the available evidence is currently insufficient to determine the role of this variant in disease. Therefore, it has been classified as a Variant of Uncertain Significance. Algorithms developed to predict the effect of missense changes on protein structure and function (SIFT, PolyPhen-2, Align-GVGD) all suggest that this variant is likely to be tolerated. This variant has not been reported in the literature in individuals affected with DDHD2-related conditions. This variant is not present in population databases (gnomAD no frequency). This sequence change replaces glutamic acid, which is acidic and polar, with glycine, which is neutral and non-polar, at codon 500 of the DDHD2 protein (p.Glu500Gly).